The following is an entry in ClinVar:

NM_001641.4(APEX1):c.*2A>T

Gene: APEX1 (apurinic/apyrimidinic endodeoxyribonuclease 1; plus strand). Cytogenetic location: 14q11.2.
Variant type: single nucleotide variant.
Coding change: c.*2A>T on transcript NM_001641.4 (MANE Select); 2 bases downstream of the stop codon, A replaced by T.
Molecular consequence: 3 prime UTR variant.
Genome position (GRCh38, 1-based): chr14:20,457,510, A>T. VCF-style: chr14-20457510-A-T. GRCh37 (hg19) VCF-style: chr14-20925669-A-T.
Other names: c.*2A>T (NM_001244249.2, NM_080648.3, NM_080649.3).
Identifiers: ClinVar variation 2644051 (VCV002644051.24), dbSNP rs17112002, ClinGen allele CA7081683.

ClinVar aggregate classification (germline): Likely benign (1 of 4 stars; one submission).

Allele frequency attached by ClinVar (database versions not stated): 1000 Genomes Project 0.00200; 1000 Genomes Project 30x 0.00219; TOPMed 0.00316; ExAC 0.00330; gnomAD 0.00344; ESP Exome Variant Server 0.00461; gnomAD exomes 0.00485.
gnomAD v4.1: 7,631 of 1,613,578 alleles (0.47%); highest among the groups gnomAD compares: Non-Finnish European, 0.56%; 28 homozygotes.

Submission:

CeGaT Center for Human Genetics Tuebingen
Classification: Likely benign. Last evaluated: 2024-06-01. Review status: criteria provided, single submitter. Criteria: CeGaT Center For Human Genetics Tuebingen Variant Classification Criteria Version 2. Collection method: clinical testing. Allele origin: germline. Affected: yes. Observed: 2 variant alleles.
Comment: APEX1: BS2